The following is an entry in ClinVar:

NM_006231.4(POLE):c.5438A>G (p.Tyr1813Cys)

Gene: POLE (DNA polymerase epsilon, catalytic subunit; minus strand). Cytogenetic location: 12q24.33.
Variant type: single nucleotide variant.
Coding change: c.5438A>G on transcript NM_006231.4 (MANE Select); coding-DNA position 5438, A replaced by G.
Protein change: p.Tyr1813Cys; replaces tyrosine 1813 with cysteine.
Molecular consequence: missense variant.
Genome position (GRCh38, 1-based): chr12:132,639,239, T>C on the plus strand (A>G on the coding strand, the complement: POLE is on the minus strand). VCF-style: chr12-132639239-T-C. GRCh37 (hg19) VCF-style: chr12-133215825-T-C.
Other names: c.5438A>G (NM_006231.2); short protein forms Y1813C.
Identifiers: ClinVar variation 661204 (VCV000661204.12), dbSNP rs752559134, ClinGen allele CA6892522.

ClinVar aggregate classification (germline): Uncertain significance. Review status: criteria provided, multiple submitters, no conflicts (2 of 4 stars). 3 submissions from 3 submitters: Uncertain significance (3). Last evaluated 2026-01-18.

Conditions:
Hereditary cancer-predisposing syndrome. Also called: Neoplastic Syndromes, Hereditary; Tumor predisposition; Hereditary neoplastic syndrome; Hereditary Cancer Syndrome. Identifiers: Orphanet 140162, MedGen C0027672, MeSH D009386, MONDO:0015356.

Allele frequency attached by ClinVar (database versions not stated): gnomAD exomes 0.00001; ExAC 0.00002; TOPMed 0.00002.
gnomAD v4.1: 13 of 1,613,968 alleles (0.00081%); highest among the groups gnomAD compares: Middle Eastern, 0.016%; no homozygotes.

Submissions (3):

Labcorp Genetics (formerly Invitae), Labcorp
Classification: Uncertain significance. Last evaluated: 2026-01-18. Review status: criteria provided, single submitter. Criteria: Invitae Variant Classification Sherloc (09022015). Collection method: clinical testing. Allele origin: germline.
Comment: This sequence change replaces tyrosine, which is neutral and polar, with cysteine, which is neutral and slightly polar, at codon 1813 of the POLE protein (p.Tyr1813Cys). This variant is present in population databases (rs752559134, gnomAD 0.003%). This variant has not been reported in the literature in individuals affected with POLE-related conditions. ClinVar contains an entry for this variant (Variation ID: 661204). Invitae Evidence Modeling of protein sequence and biophysical properties (such as structural, functional, and spatial information, amino acid conservation, physicochemical variation, residue mobility, and thermodynamic stability) indicates that this missense variant is not expected to disrupt POLE protein function with a negative predictive value of 80%. In summary, the available evidence is currently insufficient to determine the role of this variant in disease. Therefore, it has been classified as a Variant of Uncertain Significance.

Ambry Genetics
Classification: Uncertain significance for Hereditary cancer-predisposing syndrome. Last evaluated: 2025-01-03. Review status: criteria provided, single submitter. Criteria: Ambry Variant Classification Scheme 2023. Collection method: clinical testing. Allele origin: germline.
Comment: The p.Y1813C variant (also known as c.5438A>G), located in coding exon 40 of the POLE gene, results from an A to G substitution at nucleotide position 5438. The tyrosine at codon 1813 is replaced by cysteine, an amino acid with highly dissimilar properties. This amino acid position is highly conserved in available vertebrate species. In addition, the in silico prediction for this alteration is inconclusive. Based on the available evidence, the clinical significance of this variant remains unclear.

GeneDx
Classification: Uncertain significance. Last evaluated: 2024-09-26. Review status: criteria provided, single submitter. Criteria: GeneDx Variant Classification Process June 2021. Collection method: clinical testing. Allele origin: germline. Affected: yes.
Comment: Not observed at significant frequency in large population cohorts (gnomAD); In silico analysis supports that this missense variant has a deleterious effect on protein structure/function; Observed in an individual with ovarian cancer (PMID: 32546565); This variant is associated with the following publications: (PMID: 31240875, 32546565)